The following is an entry in ClinVar:

NM_005634.3(SOX3):c.1056C>A (p.Pro352=)

Gene: SOX3 (SRY-box transcription factor 3; minus strand). Cytogenetic location: Xq27.1.
Variant type: single nucleotide variant.
Coding change: c.1056C>A on transcript NM_005634.3 (MANE Select); coding-DNA position 1056, C replaced by A.
Protein change: p.Pro352=; no amino-acid change (proline 352 retained).
Molecular consequence: synonymous variant.
Genome position (GRCh38, 1-based): chrX:140,504,005, G>T on the plus strand (C>A on the coding strand, the complement: SOX3 is on the minus strand). VCF-style: chrX-140504005-G-T. GRCh37 (hg19) VCF-style: chrX-139586170-G-T.
Identifiers: ClinVar variation 3041100 (VCV003041100.3), dbSNP rs768259292, ClinGen allele CA10531603.

ClinVar aggregate classification (germline): Uncertain significance. Review status: criteria provided, single submitter (1 of 4 stars). 2 submissions from 2 submitters: Uncertain significance (1). 1 of the submissions does not count toward it. Last evaluated 2025-11-18.

Conditions:
SOX3-related disorder. Also called: SOX3-Related Disorders; SOX3-related condition.

Allele frequency attached by ClinVar (database versions not stated): gnomAD exomes 0.00001; gnomAD 0.00011; 1000 Genomes Project 30x 0.00021; TOPMed 0.00023.
gnomAD v4.1: 26 of 988,065 alleles (0.0026%); highest among the groups gnomAD compares: Admixed American, 0.098%; no homozygotes.

Submissions (2):

Labcorp Genetics (formerly Invitae), Labcorp
Classification: Uncertain significance. Last evaluated: 2025-11-18. Review status: criteria provided, single submitter. Criteria: Invitae Variant Classification Sherloc (09022015). Collection method: clinical testing. Allele origin: germline.
Comment: This sequence change affects codon 352 of the SOX3 mRNA. It is a 'silent' change, meaning that it does not change the encoded amino acid sequence of the SOX3 protein. The frequency data for this variant in the population databases is considered unreliable, as metrics indicate insufficient coverage at this position in the gnomAD database. This variant has not been reported in the literature in individuals affected with SOX3-related conditions. ClinVar contains an entry for this variant (Variation ID: 3041100). In summary, the available evidence is currently insufficient to determine the role of this variant in disease. Therefore, it has been classified as a Variant of Uncertain Significance.

PreventionGenetics, part of Exact Sciences
Classification: Likely benign for SOX3-related condition. Last evaluated: 2019-10-28. Review status: no assertion criteria provided. Collection method: clinical testing. Allele origin: germline. Not counted in ClinVar's aggregate classification.
Comment: This variant is classified as likely benign based on ACMG/AMP sequence variant interpretation guidelines (Richards et al. 2015 PMID: 25741868, with internal and published modifications).